The following is an entry in ClinVar:

NC_000002.12:g.(?_165090130)_(166286643_?)del

Genes: CSRNP3 (cysteine and serine rich nuclear protein 3; plus strand), GALNT3 (polypeptide N-acetylgalactosaminyltransferase 3; minus strand), SCN1A (sodium voltage-gated channel alpha subunit 1; minus strand), SCN1A-AS1 (SCN1A and SCN9A antisense RNA 1; plus strand), SCN2A (sodium voltage-gated channel alpha subunit 2; plus strand) and 14 more. Cytogenetic location: 2q24.3.
Variant type: Deletion.
Identifiers: ClinVar variation 652948 (VCV000652948.5).

ClinVar aggregate classification (germline): Pathogenic. Review status: criteria provided, single submitter (1 of 4 stars). 2 submissions from 1 submitter: Pathogenic (2). Last evaluated 2020-09-01.

Conditions:
Developmental and epileptic encephalopathy. Identifiers: MedGen C5779964, MONDO:0100620.
Neuropathy, hereditary sensory and autonomic, type 2A (HSAN2A). Also called: HSAN IIA; WNK1-Related HSAN2 (HSAN2A); ACROOSTEOLYSIS, GIACCAI TYPE; ACROOSTEOLYSIS, NEUROGENIC; MORVAN DISEASE; NEUROPATHY, CONGENITAL SENSORY. Identifiers: Orphanet 970, MedGen C2752089, MONDO:0024309, OMIM 201300.
Generalized epilepsy with febrile seizures plus, type 7 (GEFSP7). Also called: GEFS+, TYPE 7. Identifiers: Orphanet 36387, MedGen C2751778, MONDO:0013470, OMIM 613863.

Submissions (2):

Labcorp Genetics (formerly Invitae), Labcorp
Classification: Pathogenic for Neuropathy, hereditary sensory and autonomic, type 2A; Generalized epilepsy with febrile seizures plus, type 7. Last evaluated: 2020-09-01. Review status: criteria provided, single submitter. Criteria: Invitae Variant Classification Sherloc (09022015). Collection method: clinical testing. Allele origin: germline.
Comment: For these reasons, this variant has been classified as Pathogenic. This variant disrupts the C-terminus of the SCN9A protein. Other variant(s) that disrupt this region (p.Glu1773Glyfs*14) have been determined to be pathogenic (PMID: 25253744, Invitae). This suggests that variants that disrupt this region of the protein are likely to be causative of disease. This variant has not been reported in the literature in individuals with SCN9A-related disease. This variant is a gross deletion of the genomic region encompassing exons 11 to 27 of the SCN9A gene. The 5' boundary is likely confined to intron 10. The 3' end of this event is unknown as it extends through the termination codon beyond the assayed region for this gene and may encompass additional genes. While this deletion is not anticipated to result in nonsense mediated decay, it is expected to create a truncated protein product or disrupt mRNA translation.

Labcorp Genetics (formerly Invitae), Labcorp
Classification: Pathogenic for Early infantile epileptic encephalopathy with suppression bursts. Last evaluated: 2018-09-13. Review status: criteria provided, single submitter. Criteria: Invitae Variant Classification Sherloc (09022015). Collection method: clinical testing. Allele origin: germline.
Comment: A gross deletion of the genomic region encompassing the full coding sequence of the SCN1A gene has been identified. The boundaries of this event are unknown as the deletion extends beyond the assayed region for this gene and therefore may encompass additional genes. Whole-gene deletions of SCN1A with and without deletion of additional surrounding genes have been reported in individuals affected with Dravet syndrome and myoclonic epilepsy in infancy (PMID: 19400878, 18479393, 25524840, 17561957, 21719429). Loss-of-function variants in SCN1A are known to be pathogenic (PMID: 17347258, 18930999). For these reasons, this variant has been classified as Pathogenic.

Literature cited by the submitters: PubMed 25253744; PubMed 18479393; PubMed 21719429; PubMed 17561957; PubMed 25524840; PubMed 19400878.